The following is an entry in ClinVar:

ClinVar aggregate classification (germline): Uncertain significance (1 of 4 stars; one submission).

Conditions:
ATP11A-related disorder. Also called: ATP11A-related condition.

gnomAD v4.1: 11 of 1,613,920 alleles (0.00068%); highest among the groups gnomAD compares: African/African-American, 0.004%; no homozygotes.

Submission:

PreventionGenetics, part of Exact Sciences
Classification: Uncertain significance for ATP11A-related condition. Last evaluated: 2024-10-18. Review status: criteria provided, single submitter. Criteria: ACMG Guidelines, 2015. Collection method: clinical testing. Allele origin: germline.
Comment: The ATP11A c.679G>A variant is predicted to result in the amino acid substitution p.Val227Met. This variant was reported in individuals with neurodevelopmental disorder and autism (Turner et al. 2019. PubMed ID: 31785789; Table S2, Zhou et al. 2022. PubMed ID: 35982159). This variant is reported in 0.0054% of alleles in individuals of East Asian descent in gnomAD. At this time, the clinical significance of this variant is uncertain due to the absence of conclusive functional and genetic evidence.

NM_015205.3(ATP11A):c.679G>A (p.Val227Met)

Gene: ATP11A (ATPase phospholipid transporting 11A; plus strand). Cytogenetic location: 13q34.
Variant type: single nucleotide variant.
Coding change: c.679G>A on transcript NM_015205.3 (MANE Select); coding-DNA position 679, G replaced by A.
Protein change: p.Val227Met; replaces valine 227 with methionine.
Molecular consequence: missense variant.
Genome position (GRCh38, 1-based): chr13:112,819,904, G>A. VCF-style: chr13-112819904-G-A. GRCh37 (hg19) VCF-style: chr13-113474218-G-A.
Other names: c.679G>A, p.Val227Met (NM_001405661.1, NM_001405662.1, NM_001405663.1 and 1 more transcripts); short protein forms V227M.
Identifiers: ClinVar variation 4982451 (VCV004982451.1).